The following is an entry in ClinVar:

ClinVar aggregate classification (germline): Uncertain significance (1 of 4 stars; one submission).

Submission:

Labcorp Genetics (formerly Invitae), Labcorp
Classification: Uncertain significance. Last evaluated: 2025-04-27. Review status: criteria provided, single submitter. Criteria: Invitae Variant Classification Sherloc (09022015). Collection method: clinical testing. Allele origin: germline.
Comment: This sequence change replaces leucine, which is neutral and non-polar, with methionine, which is neutral and non-polar, at codon 5 of the GATA5 protein (p.Leu5Met). This variant is not present in population databases (gnomAD no frequency). This variant has not been reported in the literature in individuals affected with GATA5-related conditions. An algorithm developed to predict the effect of missense changes on protein structure and function (PolyPhen-2) suggests that this variant is likely to be disruptive. In summary, the available evidence is currently insufficient to determine the role of this variant in disease. Therefore, it has been classified as a Variant of Uncertain Significance.

NM_080473.5(GATA5):c.13C>A (p.Leu5Met)

Gene: GATA5 (GATA binding protein 5; minus strand). Cytogenetic location: 20q13.33.
Variant type: single nucleotide variant.
Coding change: c.13C>A on transcript NM_080473.5 (MANE Select); coding-DNA position 13, C replaced by A.
Protein change: p.Leu5Met; replaces leucine 5 with methionine.
Molecular consequence: missense variant.
Genome position (GRCh38, 1-based): chr20:62,475,509, G>T on the plus strand (C>A on the coding strand, the complement: GATA5 is on the minus strand). VCF-style: chr20-62475509-G-T. GRCh37 (hg19) VCF-style: chr20-61050565-G-T.
Other names: short protein forms L5M.
Identifiers: ClinVar variation 4740247 (VCV004740247.1).